The following is an entry in ClinVar:

NM_006421.5(ARFGEF1):c.4266C>G (p.His1422Gln)

Gene: ARFGEF1 (ARF guanine nucleotide exchange factor 1; minus strand). Cytogenetic location: 8q13.2.
Variant type: single nucleotide variant.
Coding change: c.4266C>G on transcript NM_006421.5 (MANE Select); coding-DNA position 4266, C replaced by G.
Protein change: p.His1422Gln; replaces histidine 1422 with glutamine.
Molecular consequence: missense variant. On other transcripts: non-coding transcript variant (1).
Genome position (GRCh38, 1-based): chr8:67,219,503, G>C on the plus strand (C>G on the coding strand, the complement: ARFGEF1 is on the minus strand). VCF-style: chr8-67219503-G-C. GRCh37 (hg19) VCF-style: chr8-68131738-G-C.
Other names: c.4266C>G, p.His1422Gln (NM_001413184.1, NM_001413185.1, NM_001413186.1 and 5 more transcripts); c.3666C>G, p.His1222Gln (NM_001413188.1, NM_001413193.1, NM_001413197.1); c.4260C>G, p.His1420Gln (NM_001413190.1); c.2841C>G, p.His947Gln (NM_001413196.1); short protein forms H1222Q, H1420Q, H1422Q, H947Q.
Identifiers: ClinVar variation 3370095 (VCV003370095.1).

ClinVar aggregate classification (germline): Uncertain significance (1 of 4 stars; one submission).

Submission:

GeneDx
Classification: Uncertain significance. Last evaluated: 2023-12-19. Review status: criteria provided, single submitter. Criteria: GeneDx Variant Classification Process June 2021. Collection method: clinical testing. Allele origin: germline. Affected: yes.
Comment: Not observed at significant frequency in large population cohorts (gnomAD); In silico analysis supports that this missense variant has a deleterious effect on protein structure/function; Has not been previously published as pathogenic or benign to our knowledge